The following is an entry in ClinVar:

ClinVar aggregate classification (germline): Uncertain significance. Review status: criteria provided, multiple submitters, no conflicts (2 of 4 stars). 4 submissions from 4 submitters: Uncertain significance (4). Last evaluated 2026-04-14.

Conditions:
MKS1-related disorder. Also called: MKS1-related disorders; MKS1-related condition. Identifiers: MedGen CN239382.
Meckel syndrome, type 1 (MKS1). Also called: MECKEL-GRUBER SYNDROME, TYPE 1. Identifiers: Orphanet 564, MedGen C3714506, MONDO:0009571, OMIM 249000.
Joubert syndrome 28 (JBTS28). Identifiers: MedGen C4310705, MONDO:0014928, OMIM 617121.
Bardet-Biedl syndrome 13 (BBS13). Identifiers: Orphanet 110, MedGen C2673873, MONDO:0014441, OMIM 615990.
Meckel-Gruber syndrome. Also called: DYSENCEPHALIA SPLANCHNOCYSTICA; GRUBER SYNDROME; Dysencephalia splachnocystica. Identifiers: Orphanet 564, MedGen C0265215, MONDO:0018921.
Joubert syndrome. Also called: Familial aplasia of the vermis; JOUBERT-BOLTSHAUSER SYNDROME. Identifiers: Orphanet 475, MedGen C5979921, MONDO:0018772.

Allele frequency attached by ClinVar (database versions not stated): gnomAD exomes below 0.00001 and 0.00001; gnomAD 0.00001; TOPMed 0.00001.
gnomAD v4.1: 11 of 1,614,026 alleles (0.00068%); highest among the groups gnomAD compares: Admixed American, 0.005%; no homozygotes.

Submissions (4):

PreventionGenetics, part of Exact Sciences
Classification: Uncertain significance for MKS1-related condition. Last evaluated: 2026-04-14. Review status: criteria provided, single submitter. Criteria: ACMG Guidelines, 2015. Collection method: clinical testing. Allele origin: germline.
Comment: The MKS1 c.227T>C variant is predicted to result in the amino acid substitution p.Ile76Thr. To our knowledge, this variant has not been reported in the literature. This variant is reported in 0.0029% of alleles in individuals of Latino descent in gnomAD. At this time, the clinical significance of this variant is uncertain due to the absence of conclusive functional and genetic evidence.

Fulgent Genetics
Classification: Uncertain significance for Meckel syndrome, type 1; Bardet-Biedl syndrome 13; Joubert syndrome 28. Last evaluated: 2024-05-10. Review status: criteria provided, single submitter. Criteria: ACMG Guidelines, 2015. Collection method: clinical testing. Allele origin: germline.

Labcorp Genetics (formerly Invitae), Labcorp
Classification: Uncertain significance for Joubert syndrome; Meckel-Gruber syndrome. Last evaluated: 2022-09-13. Review status: criteria provided, single submitter. Criteria: Invitae Variant Classification Sherloc (09022015). Collection method: clinical testing. Allele origin: germline.
Comment: This sequence change replaces isoleucine, which is neutral and non-polar, with threonine, which is neutral and polar, at codon 76 of the MKS1 protein (p.Ile76Thr). This variant is present in population databases (no rsID available, gnomAD no frequency). This variant has not been reported in the literature in individuals affected with MKS1-related conditions. ClinVar contains an entry for this variant (Variation ID: 594962). Advanced modeling of protein sequence and biophysical properties (such as structural, functional, and spatial information, amino acid conservation, physicochemical variation, residue mobility, and thermodynamic stability) performed at Invitae indicates that this missense variant is not expected to disrupt MKS1 protein function. In summary, the available evidence is currently insufficient to determine the role of this variant in disease. Therefore, it has been classified as a Variant of Uncertain Significance.

Eurofins Ntd Llc (ga)
Classification: Uncertain significance. Last evaluated: 2017-11-10. Review status: criteria provided, single submitter. Criteria: EGL Classification Definitions 2015. Collection method: clinical testing. Allele origin: germline. Observed: 1 variant allele, 1 heterozygote.

NM_017777.4(MKS1):c.227T>C (p.Ile76Thr)

Gene: MKS1 (MKS transition zone complex subunit 1; minus strand). Cytogenetic location: 17q22.
Variant type: single nucleotide variant.
Coding change: c.227T>C on transcript NM_017777.4 (MANE Select); coding-DNA position 227, T replaced by C.
Protein change: p.Ile76Thr; replaces isoleucine 76 with threonine.
Molecular consequence: missense variant. On other transcripts: 5 prime UTR variant (1).
Genome position (GRCh38, 1-based): chr17:58,216,700, A>G on the plus strand (T>C on the coding strand, the complement: MKS1 is on the minus strand). VCF-style: chr17-58216700-A-G. GRCh37 (hg19) VCF-style: chr17-56294061-A-G.
Other names: c.-285T>C (NM_001321268.2); c.227T>C, p.Ile76Thr (NM_001321269.2, NM_001330397.2); c.227T>C (NM_017777.3); short protein forms I76T.
Identifiers: ClinVar variation 594962 (VCV000594962.12), dbSNP rs1412560835, ClinGen allele CA400327763.